The following is an entry in ClinVar:

NM_002160.4(TNC):c.5745C>T (p.Thr1915=)

Gene: TNC (tenascin C; minus strand). Cytogenetic location: 9q33.1.
Variant type: single nucleotide variant.
Coding change: c.5745C>T on transcript NM_002160.4 (MANE Select); coding-DNA position 5745, C replaced by T.
Protein change: p.Thr1915=; no amino-acid change (threonine 1915 retained).
Molecular consequence: synonymous variant.
Genome position (GRCh38, 1-based): chr9:115,035,246, G>A on the plus strand (C>T on the coding strand, the complement: TNC is on the minus strand). VCF-style: chr9-115035246-G-A. GRCh37 (hg19) VCF-style: chr9-117797525-G-A.
Other names: c.5199C>T, p.Thr1733= (NM_001410991.1, NM_001439083.1, NM_001439084.1 and 2 more transcripts); c.6294C>T, p.Thr2098= (NM_001439065.1, NM_001439066.1, NM_001439067.1); c.6021C>T, p.Thr2007= (NM_001439068.1, NM_001439069.1, NM_001439070.1); c.6018C>T, p.Thr2006= (NM_001439071.1); c.5748C>T, p.Thr1916= (NM_001439072.1, NM_001439073.1); c.5745C>T, p.Thr1915= (NM_001439074.1, NM_001439075.1, NM_001439076.1); c.5472C>T, p.Thr1824= (NM_001439077.1, NM_001439078.1, NM_001439079.1 and 3 more transcripts); c.4926C>T, p.Thr1642= (NM_001439087.1, NM_001439088.1); and 4 more.
Identifiers: ClinVar variation 4998930 (VCV004998930.1).

ClinVar aggregate classification (germline): Likely benign (1 of 4 stars; one submission).

Conditions:
TNC-related disorder. Also called: TNC-related condition.

gnomAD v4.1: 107 of 1,613,208 alleles (0.0066%); highest among the groups gnomAD compares: Non-Finnish European, 0.0081%; no homozygotes.

Submission:

PreventionGenetics, part of Exact Sciences
Classification: Likely benign for TNC-related condition. Last evaluated: 2026-08-07. Review status: criteria provided, single submitter. Criteria: ACMG Guidelines, 2015. Collection method: clinical testing. Allele origin: germline.
Comment: This variant is classified as likely benign based on ACMG/AMP sequence variant interpretation guidelines (Richards et al. 2015 PMID: 25741868, with internal and published modifications).